The following is an entry in ClinVar:

NM_007272.3(CTRC):c.406A>G (p.Thr136Ala)

Gene: CTRC (chymotrypsin C; plus strand). Cytogenetic location: 1p36.21.
Variant type: single nucleotide variant.
Coding change: c.406A>G on transcript NM_007272.3 (MANE Select); coding-DNA position 406, A replaced by G.
Protein change: p.Thr136Ala; replaces threonine 136 with alanine.
Molecular consequence: missense variant.
Genome position (GRCh38, 1-based): chr1:15,443,468, A>G. VCF-style: chr1-15443468-A-G. GRCh37 (hg19) VCF-style: chr1-15769963-A-G.
Other names: short protein forms T136A.
Identifiers: ClinVar variation 2564427 (VCV002564427.2), dbSNP rs2526297171, ClinGen allele CA338566101.

ClinVar aggregate classification (germline): Uncertain significance (1 of 4 stars; one submission).

Conditions:
Hereditary pancreatitis (PCTT). Also called: Hereditary chronic pancreatitis; PRSS1-Related Hereditary Pancreatitis. Identifiers: Orphanet 676, MedGen C0238339, MONDO:0008185, OMIM 167800.

Allele frequency attached by ClinVar (database versions not stated): gnomAD exomes below 0.00001.
gnomAD v4.1: 4 of 1,614,190 alleles (0.00025%); highest among the groups gnomAD compares: African/African-American, 0.0013%; no homozygotes.

Submission:

Ambry Genetics
Classification: Uncertain significance for Hereditary pancreatitis. Last evaluated: 2023-04-16. Review status: criteria provided, single submitter. Criteria: Ambry Variant Classification Scheme 2023. Collection method: clinical testing. Allele origin: germline.
Comment: The p.T136A variant (also known as c.406A>G), located in coding exon 5 of the CTRC gene, results from an A to G substitution at nucleotide position 406. The threonine at codon 136 is replaced by alanine, an amino acid with similar properties. This amino acid position is conserved. In addition, this alteration is predicted to be tolerated by in silico analysis. Since supporting evidence is limited at this time, the clinical significance of this alteration remains unclear.